The following is an entry in ClinVar:

NM_003052.5(SLC34A1):c.1141G>C (p.Val381Leu)

Gene: SLC34A1 (solute carrier family 34 member 1; plus strand). Cytogenetic location: 5q35.3.
Variant type: single nucleotide variant.
Coding change: c.1141G>C on transcript NM_003052.5 (MANE Select); coding-DNA position 1141, G replaced by C.
Protein change: p.Val381Leu; replaces valine 381 with leucine.
Molecular consequence: missense variant.
Genome position (GRCh38, 1-based): chr5:177,394,162, G>C. VCF-style: chr5-177394162-G-C. GRCh37 (hg19) VCF-style: chr5-176821163-G-C.
Other names: short protein forms V381L.
Identifiers: ClinVar variation 2072807 (VCV002072807.4), dbSNP rs566144365, ClinGen allele CA3580657.

ClinVar aggregate classification (germline): Uncertain significance (1 of 4 stars; one submission).

Allele frequency attached by ClinVar (database versions not stated): gnomAD 0.00001; 1000 Genomes Project 0.00020; 1000 Genomes Project 30x 0.00031.
gnomAD v4.1: 21 of 1,614,070 alleles (0.0013%); highest among the groups gnomAD compares: South Asian, 0.023%; no homozygotes.

Submission:

Labcorp Genetics (formerly Invitae), Labcorp
Classification: Uncertain significance. Last evaluated: 2022-03-10. Review status: criteria provided, single submitter. Criteria: Invitae Variant Classification Sherloc (09022015). Collection method: clinical testing. Allele origin: germline.
Comment: In summary, the available evidence is currently insufficient to determine the role of this variant in disease. Therefore, it has been classified as a Variant of Uncertain Significance. Algorithms developed to predict the effect of missense changes on protein structure and function (SIFT, PolyPhen-2, Align-GVGD) all suggest that this variant is likely to be tolerated. This variant has not been reported in the literature in individuals affected with SLC34A1-related conditions. This variant is present in population databases (rs566144365, gnomAD 0.03%). This sequence change replaces valine, which is neutral and non-polar, with leucine, which is neutral and non-polar, at codon 381 of the SLC34A1 protein (p.Val381Leu).